The following is an entry in ClinVar:

NM_018089.3(ANKZF1):c.1325del (p.Asn442fs)

Gene: ANKZF1 (ankyrin repeat and zinc finger peptidyl tRNA hydrolase 1; plus strand). Cytogenetic location: 2q35.
Variant type: Deletion.
Coding change: c.1325del on transcript NM_018089.3 (MANE Select); coding-DNA position 1325, one base deleted (A; older notation c.1325delA).
Protein change: p.Asn442fs; shifts the reading frame from asparagine 442.
Molecular consequence: frameshift variant.
Genome position (GRCh38, 1-based): chr2:219,234,946, A deleted; the last of 2 consecutive A bases (chr2:219,234,945-219,234,946); deleting either gives the same sequence. VCF-style (leftmost placement, unchanged base first): chr2-219234944-GA-G. GRCh37 (hg19) VCF-style: chr2-220099666-GA-G.
Other names: c.1325del, p.Asn442fs (NM_001042410.2); c.695del, p.Asn232fs (NM_001282792.2); short protein forms N232fs, N442fs.
Identifiers: ClinVar variation 2004920 (VCV002004920.4), dbSNP rs2544927551, ClinGen allele CA2580065761.

ClinVar aggregate classification (germline): Uncertain significance (1 of 4 stars; one submission).

Submission:

Labcorp Genetics (formerly Invitae), Labcorp
Classification: Uncertain significance. Last evaluated: 2022-06-11. Review status: criteria provided, single submitter. Criteria: Invitae Variant Classification Sherloc (09022015). Collection method: clinical testing. Allele origin: germline.
Comment: In summary, the available evidence is currently insufficient to determine the role of this variant in disease. Therefore, it has been classified as a Variant of Uncertain Significance. This variant has not been reported in the literature in individuals affected with ANKZF1-related conditions. This variant is not present in population databases (gnomAD no frequency). This sequence change creates a premature translational stop signal (p.Asn442Ilefs*69) in the ANKZF1 gene. It is expected to result in an absent or disrupted protein product. However, the current clinical and genetic evidence is not sufficient to establish whether loss-of-function variants in ANKZF1 cause disease.